The following is an entry in ClinVar:

NM_021831.6(AGBL5):c.827G>C (p.Arg276Pro)

Gene: AGBL5 (AGBL carboxypeptidase 5; plus strand). Cytogenetic location: 2p23.3.
Variant type: single nucleotide variant.
Coding change: c.827G>C on transcript NM_021831.6 (MANE Select); coding-DNA position 827, G replaced by C.
Protein change: p.Arg276Pro; replaces arginine 276 with proline.
Molecular consequence: missense variant. On other transcripts: non-coding transcript variant (2).
Genome position (GRCh38, 1-based): chr2:27,055,172, G>C. VCF-style: chr2-27055172-G-C. GRCh37 (hg19) VCF-style: chr2-27278040-G-C.
Other names: c.827G>C, p.Arg276Pro (NM_001035507.3); short protein forms R276P.
Identifiers: ClinVar variation 841501 (VCV000841501.9), dbSNP rs141571521, ClinGen allele CA346175525.
Genomic context (GRCh38, chr2:27,055,172, plus strand): 5'-CTCCATCTAGCTTTGTCTTCAATGGCTTTCTGGACTTCATCCTCCGACCTGATGATCCCC[G>C]GGCCCAAACCCTCCGTCGCCTCTTCGTCTTTAAGCTGATTCCCATGTTGAACCCCGATGG-3'
Protein context (NP_068603.4, residues 266-286): LDFILRPDDP[Arg276Pro]AQTLRRLFVF

ClinVar aggregate classification (germline): Uncertain significance (1 of 4 stars; one submission).

gnomAD v4.1: 4 of 1,614,164 alleles (0.00025%); no homozygotes.

Submission:

Labcorp Genetics (formerly Invitae), Labcorp
Classification: Uncertain significance. Last evaluated: 2025-06-27. Review status: criteria provided, single submitter. Criteria: Invitae Variant Classification Sherloc (09022015). Collection method: clinical testing. Allele origin: germline.
Comment: This sequence change replaces arginine, which is basic and polar, with proline, which is neutral and non-polar, at codon 276 of the AGBL5 protein (p.Arg276Pro). This variant is present in population databases (no rsID available, gnomAD 0.004%). This variant has not been reported in the literature in individuals affected with AGBL5-related conditions. ClinVar contains an entry for this variant (Variation ID: 841501). An algorithm developed to predict the effect of missense changes on protein structure and function (PolyPhen-2) suggests that this variant is likely to be disruptive. This variant disrupts the p.Arg276 amino acid residue in AGBL5. Other variant(s) that disrupt this residue have been determined to be pathogenic (PMID: 26355662). This suggests that this residue is clinically significant, and that variants that disrupt this residue are likely to be disease-causing. In summary, the available evidence is currently insufficient to determine the role of this variant in disease. Therefore, it has been classified as a Variant of Uncertain Significance.

Literature cited by the submitters: PubMed 26355662.